The following is an entry in ClinVar:

NM_014000.3(VCL):c.2867T>G (p.Met956Arg)

Gene: VCL (vinculin; plus strand). Cytogenetic location: 10q22.2.
Variant type: single nucleotide variant.
Coding change: c.2867T>G on transcript NM_014000.3 (MANE Select); coding-DNA position 2867, T replaced by G.
Protein change: p.Met956Arg; replaces methionine 956 with arginine.
Molecular consequence: missense variant. On other transcripts: intron variant (1).
Genome position (GRCh38, 1-based): chr10:74,112,030, T>G. VCF-style: chr10-74112030-T-G. GRCh37 (hg19) VCF-style: chr10-75871788-T-G.
Other names: c.2746-2154T>G (NM_003373.4); short protein forms M956R.
Identifiers: ClinVar variation 626458 (VCV000626458.4), dbSNP rs765717598, ClinGen allele CA5563325.

ClinVar aggregate classification (germline): Uncertain significance. Review status: criteria provided, multiple submitters, no conflicts (2 of 4 stars). 2 submissions from 2 submitters: Uncertain significance (2). Last evaluated 2020-12-23.

Conditions:
Cardiovascular phenotype. Identifiers: MedGen CN230736.
Cardiomyopathy (CMYO). Also called: Cardiomyopathies. Identifiers: Orphanet 167848, MedGen C0878544, MONDO:0004994, HP:0001638. Inheritance: Various modes of inheritance.

Allele frequency attached by ClinVar (database versions not stated): gnomAD 0.00001 and 0.00002; gnomAD exomes 0.00001 and 0.00003; TOPMed 0.00001; ExAC 0.00003.
gnomAD v4.1: 16 of 1,614,086 alleles (0.00099%); highest among the groups gnomAD compares: East Asian, 0.033%; no homozygotes.

Submissions (2):

Ambry Genetics
Classification: Uncertain significance for Cardiovascular phenotype. Last evaluated: 2020-12-23. Review status: criteria provided, single submitter. Criteria: Ambry Variant Classification Scheme 2023. Collection method: clinical testing. Allele origin: germline.
Comment: The p.M956R variant (also known as c.2867T>G), located in coding exon 19 of the VCL gene, results from a T to G substitution at nucleotide position 2867. The methionine at codon 956 is replaced by arginine, an amino acid with similar properties. This amino acid position is well conserved in available vertebrate species. In addition, this alteration is predicted to be tolerated by in silico analysis. Since supporting evidence is limited at this time, the clinical significance of this alteration remains unclear.

CHEO Genetics Diagnostic Laboratory, Children's Hospital of Eastern Ontario
Classification: Uncertain significance for Cardiomyopathy. Last evaluated: 2016-08-11. Review status: criteria provided, single submitter. Criteria: ACMG Guidelines, 2015. Collection method: clinical testing. Allele origin: germline. Study: Canadian Open Genetics Repository.